The following is an entry in ClinVar:

NM_000551.4(VHL):c.528G>A (p.Arg176=)

Genes: VHL (von Hippel-Lindau tumor suppressor; plus strand), LOC107303340 (3p25 von Hippel-Lindau tumor suppressor, E3 ubiquitin protein ligase Alu-mediated recombination region; plus strand). Cytogenetic location: 3p25.3.
Variant type: single nucleotide variant.
Coding change: c.528G>A on transcript NM_000551.4 (MANE Select); coding-DNA position 528, G replaced by A.
Protein change: p.Arg176=; no amino-acid change (arginine 176 retained).
Molecular consequence: synonymous variant. On other transcripts: 3 prime UTR variant (1), non-coding transcript variant (1).
Genome position (GRCh38, 1-based): chr3:10,149,851, G>A. VCF-style: chr3-10149851-G-A. GRCh37 (hg19) VCF-style: chr3-10191535-G-A.
Other names: c.*82G>A (NM_001354723.2); c.405G>A, p.Arg135= (NM_198156.3).
Identifiers: ClinVar variation 4071398 (VCV004071398.2).

ClinVar aggregate classification (germline): Benign/Likely benign. Review status: criteria provided, multiple submitters, no conflicts (2 of 4 stars). 2 submissions from 2 submitters: Benign (1); Likely benign (1). Last evaluated 2025-06-13.

Conditions:
Chuvash polycythemia. Also called: POLYCYTHEMIA, VHL-DEPENDENT. Identifiers: Orphanet 238557, MedGen C1837915, MONDO:0009892, OMIM 263400.
Von Hippel-Lindau syndrome (VHLS). Also called: Von Hippel-Lindau; von Hippel–Lindau syndrome; VHL syndrome. Identifiers: Orphanet 892, MedGen C0019562, MONDO:0008667, OMIM 193300. Disease mechanism: loss of function.

Submissions (2):

Myriad Genetics, Inc.
Classification: Benign for Von Hippel-Lindau syndrome. Last evaluated: 2025-06-13. Review status: criteria provided, single submitter. Criteria: Myriad Autosomal Dominant, Autosomal Recessive and X-Linked Classification Criteria (2023). Collection method: clinical testing. Allele origin: unknown.
Comment: This variant is considered benign. This variant is a silent/synonymous amino acid change and it is not expected to impact splicing.

Labcorp Genetics (formerly Invitae), Labcorp
Classification: Likely benign for Von Hippel-Lindau syndrome; Chuvash polycythemia. Last evaluated: 2025-03-04. Review status: criteria provided, single submitter. Criteria: Invitae Variant Classification Sherloc (09022015). Collection method: clinical testing. Allele origin: germline.